The following is an entry in ClinVar:

ClinVar aggregate classification (germline): Conflicting classifications of pathogenicity. Review status: criteria provided, conflicting classifications (1 of 4 stars). 2 submissions from 2 submitters: Uncertain significance (1); Likely benign (1). Last evaluated 2022-07-19.

Conditions:
Hereditary cancer-predisposing syndrome. Also called: Hereditary Cancer Syndrome; Neoplastic Syndromes, Hereditary; Tumor predisposition; Hereditary neoplastic syndrome. Identifiers: Orphanet 140162, MedGen C0027672, MeSH D009386, MONDO:0015356.
Neurofibromatosis, type 1 (NF1). Also called: Neurofibromatosis, type I; VON RECKLINGHAUSEN DISEASE; NEUROFIBROMATOSIS, TYPE I, SOMATIC; Peripheral type neurofibromatosis. Identifiers: Orphanet 636, MedGen C0027831, MONDO:0018975, OMIM 162200. Disease mechanism: loss of function.

Submissions (2):

Labcorp Genetics (formerly Invitae), Labcorp
Classification: Likely benign for Neurofibromatosis, type 1. Last evaluated: 2022-07-19. Review status: criteria provided, single submitter. Criteria: Invitae Variant Classification Sherloc (09022015). Collection method: clinical testing. Allele origin: germline.

Ambry Genetics
Classification: Uncertain significance for Hereditary cancer-predisposing syndrome. Last evaluated: 2015-06-19. Review status: criteria provided, single submitter. Criteria: Ambry Autosomal Dominant and X-Linked criteria (10/2015). Collection method: clinical testing. Allele origin: germline. Observed: 1 variant allele.
Comment: The c.2001+3C>G intronic variant results from a C to G substitution 3 nucleotides after coding exon 17 in the NF1 gene. This variant was not reported in population based cohorts in the following databases: Database of Single Nucleotide Polymorphisms (dbSNP), NHLBI Exome Sequencing Project (ESP), and 1000 Genomes Project. In the ESP, this variant was not observed in 6503 samples (13006 alleles) with coverage at this position. To date, this alteration has been detected with an allele frequency of approximately 0.002% (greater than 55000alleles tested) in our clinical cohort.This nucleotide position is not well conserved in available vertebrate species. Using the BDGP and ESEfinder splice site prediction tools, this alteration is not predicted to have any significant effect on this acceptor/donor splice site; however, direct evidence is unavailable.Since supporting evidence is limited at this time, the clinical significance of c.2001+3C>Gremains unclear.

NM_001042492.3(NF1):c.2001+3C>G

Gene: NF1 (neurofibromin 1; plus strand). Cytogenetic location: 17q11.2.
Variant type: single nucleotide variant.
Coding change: c.2001+3C>G on transcript NM_001042492.3 (MANE Select); 3 bases into the intron after coding-DNA position 2001, C replaced by G.
Molecular consequence: intron variant.
Genome position (GRCh38, 1-based): chr17:31,225,253, C>G. VCF-style: chr17-31225253-C-G. GRCh37 (hg19) VCF-style: chr17-29552271-C-G.
Other names: c.2001+3C>G (NM_000267.4).
Identifiers: ClinVar variation 232598 (VCV000232598.11), dbSNP rs876659863, ClinGen allele CA10580239.
Genomic context (GRCh38, chr17:31,225,253, plus strand): 5'-AGAATTACTACGTACTCCTGGAGCCTCTCTCCGGAAGGGAAAAGGGAACTCCTCTATGGT[C>G]AGCTTCTTCTGTACTTTTTCTGTATCATTTTATGTGCTCTGTTTGTTTTCTGAATGAAAT-3'